The following is an entry in ClinVar:

NM_001291867.2(NHS):c.375C>A (p.Cys125Ter)

Gene: NHS (NHS actin remodeling regulator; plus strand). Cytogenetic location: Xp22.2.
Variant type: single nucleotide variant.
Coding change: c.375C>A on transcript NM_001291867.2 (MANE Select); coding-DNA position 375, C replaced by A.
Protein change: p.Cys125Ter; replaces cysteine 125 with a stop codon.
Molecular consequence: nonsense.
Genome position (GRCh38, 1-based): chrX:17,376,132, C>A. VCF-style: chrX-17376132-C-A. GRCh37 (hg19) VCF-style: chrX-17394255-C-A.
Other names: c.375C>A, p.Cys125Ter (NM_198270.4); short protein forms C125*.
Identifiers: ClinVar variation 850838 (VCV000850838.7), dbSNP rs2064345759, ClinGen allele CA412484612.

ClinVar aggregate classification (germline): Pathogenic (1 of 4 stars; one submission).

Conditions:
Nance-Horan syndrome (NHS). Identifiers: Orphanet 627, MedGen C0796085, MONDO:0010545, OMIM 302350.

Submission:

Labcorp Genetics (formerly Invitae), Labcorp
Classification: Pathogenic for Nance-Horan syndrome. Last evaluated: 2019-11-18. Review status: criteria provided, single submitter. Criteria: Invitae Variant Classification Sherloc (09022015). Collection method: clinical testing. Allele origin: germline.
Comment: The frequency data for this variant in the population databases is considered unreliable, as metrics indicate insufficient coverage at this position in the ExAC database. This sequence change creates a premature translational stop signal (p.Cys125*) in the NHS gene. It is expected to result in an absent or disrupted protein product. This variant has not been reported in the literature in individuals with NHS-related conditions. For these reasons, this variant has been classified as Pathogenic. Loss-of-function variants in NHS are known to be pathogenic (PMID: 14564667, 19414485).

Literature cited by the submitters: PubMed 14564667; PubMed 19414485.